The following is an entry in ClinVar:

ClinVar aggregate classification (germline): Uncertain significance (1 of 4 stars; one submission).

Conditions:
Neuroferritinopathy (NBIA3). Also called: NEURODEGENERATION WITH BRAIN IRON ACCUMULATION 3; BASAL GANGLIA DISEASE, ADULT-ONSET. Identifiers: Orphanet 157846, MedGen C1853578, MONDO:0011638, OMIM 606159.
Hereditary hyperferritinemia with congenital cataracts. Also called: Hereditary hyperferritinemia cataract syndrome; Bonneau-Beaumont syndrome; HYPERFERRITINEMIA WITH OR WITHOUT CATARACT. Identifiers: Orphanet 163, MedGen C1833213, MONDO:0010952, OMIM 600886.

Submission:

Labcorp Genetics (formerly Invitae), Labcorp
Classification: Uncertain significance for Neuroferritinopathy; Hereditary hyperferritinemia with congenital cataracts. Last evaluated: 2021-02-22. Review status: criteria provided, single submitter. Criteria: Invitae Variant Classification Sherloc (09022015). Collection method: clinical testing. Allele origin: germline.
Comment: In summary, the available evidence is currently insufficient to determine the role of this variant in disease. Therefore, it has been classified as a Variant of Uncertain Significance. Experimental studies and prediction algorithms are not available or were not evaluated, and the functional significance of this variant is currently unknown. This variant has not been reported in the literature in individuals with FTL-related conditions. The frequency data for this variant in the population databases is considered unreliable, as metrics indicate insufficient coverage at this position in the ExAC database. This variant occurs in a non-coding region of the FTL gene. It does not change the encoded amino acid sequence of the FTL protein.

NM_000146.4(FTL):c.-153G>T

Gene: FTL (ferritin light chain; plus strand). Cytogenetic location: 19q13.33.
Variant type: single nucleotide variant.
Coding change: c.-153G>T on transcript NM_000146.4 (MANE Select); 153 bases upstream of the start codon, G replaced by T.
Molecular consequence: 5 prime UTR variant.
Genome position (GRCh38, 1-based): chr19:48,965,355, G>T. VCF-style: chr19-48965355-G-T. GRCh37 (hg19) VCF-style: chr19-49468612-G-T.
Identifiers: ClinVar variation 1346146 (VCV001346146.6), dbSNP rs2122429855, ClinGen allele CA2573156630.
Genomic context (GRCh38, chr19:48,965,355, plus strand): 5'-AGCCACGTCCCCTCGCAGTTCGGCGGTCCCGCGGGTCTGTCTCTTGCTTCAACAGTGTTT[G>T]GACGGAACAGATCCGGGGACTCTCTTCCAGCCTCCGACCGCCCTCCGATTTCCTCTCCGC-3'